The following is an entry in ClinVar:

NM_013372.7(GREM1):c.190C>T (p.Arg64Trp)

Gene: GREM1 (gremlin 1, DAN family BMP antagonist; plus strand). Cytogenetic location: 15q13.3.
Variant type: single nucleotide variant.
Coding change: c.190C>T on transcript NM_013372.7 (MANE Select); coding-DNA position 190, C replaced by T.
Protein change: p.Arg64Trp; replaces arginine 64 with tryptophan.
Molecular consequence: missense variant. On other transcripts: intron variant (2).
Genome position (GRCh38, 1-based): chr15:32,730,880, C>T. VCF-style: chr15-32730880-C-T. GRCh37 (hg19) VCF-style: chr15-33023081-C-T.
Other names: c.190C>T, p.Arg64Trp (NM_001368719.1); c.115-48C>T (NM_001191323.2); c.28-48C>T (NM_001191322.2); short protein forms R64W.
Identifiers: ClinVar variation 1701911 (VCV001701911.7), dbSNP rs750874632, ClinGen allele CA7456127.

ClinVar aggregate classification (germline): Uncertain significance. Review status: criteria provided, multiple submitters, no conflicts (2 of 4 stars). 3 submissions from 3 submitters: Uncertain significance (3). Last evaluated 2024-06-05.

Conditions:
Hereditary mixed polyposis syndrome. Also called: Hereditary Mixed Polyposis. Identifiers: Orphanet 157794, MedGen C5192681, MONDO:0011023.
Hereditary cancer-predisposing syndrome. Also called: Tumor predisposition; Neoplastic Syndromes, Hereditary; Hereditary Cancer Syndrome; Hereditary neoplastic syndrome. Identifiers: Orphanet 140162, MedGen C0027672, MeSH D009386, MONDO:0015356.

Allele frequency attached by ClinVar (database versions not stated): TOPMed below 0.00001; ExAC 0.00001; gnomAD 0.00001; gnomAD exomes 0.00001 and 0.00003.
gnomAD v4.1: 43 of 1,613,212 alleles (0.0027%); highest among the groups gnomAD compares: Non-Finnish European, 0.0032%; no homozygotes.

Submissions (3):

Ambry Genetics
Classification: Uncertain significance for Hereditary cancer-predisposing syndrome. Last evaluated: 2024-06-05. Review status: criteria provided, single submitter. Criteria: Ambry Variant Classification Scheme 2023. Collection method: clinical testing. Allele origin: germline.
Comment: The p.R64W variant (also known as c.190C>T), located in coding exon 1 of the GREM1 gene, results from a C to T substitution at nucleotide position 190. The arginine at codon 64 is replaced by tryptophan, an amino acid with dissimilar properties. This amino acid position is conserved. In addition, this alteration is predicted to be tolerated by in silico analysis. Since supporting evidence is limited at this time, the clinical significance of this alteration remains unclear.

Molecular Pathology, Peter Maccallum Cancer Centre
Classification: Uncertain significance for Hereditary mixed polyposis syndrome. Last evaluated: 2024-01-31. Review status: criteria provided, single submitter. Criteria: ACMG Guidelines, 2015. Collection method: clinical testing. Allele origin: germline. Inheritance: Autosomal dominant inheritance.

MVZ Labor Krone GbR
Classification: Uncertain significance for Hereditary mixed polyposis syndrome. Last evaluated: 2022-01-03. Review status: criteria provided, single submitter. Criteria: CanVIG UK. Collection method: clinical testing. Allele origin: unknown. Inheritance: Autosomal dominant inheritance. Affected: no. Observed: 1 heterozygote.
Comment: Not listed in databases or literature; gnomAD: 0,0009% in non-finnish european population, 0 homozygotes; in-silico: benign (REVEL 0.1319); ACMG/CanVIG: PM2_supporting, BP4_supporting